The following is an entry in ClinVar:

NM_199420.4(POLQ):c.6074C>T (p.Thr2025Ile)

Gene: POLQ (DNA polymerase theta; minus strand). Cytogenetic location: 3q13.33.
Variant type: single nucleotide variant.
Coding change: c.6074C>T on transcript NM_199420.4 (MANE Select); coding-DNA position 6074, C replaced by T.
Protein change: p.Thr2025Ile; replaces threonine 2025 with isoleucine.
Molecular consequence: missense variant.
Genome position (GRCh38, 1-based): chr3:121,481,709, G>A on the plus strand (C>T on the coding strand, the complement: POLQ is on the minus strand). VCF-style: chr3-121481709-G-A. GRCh37 (hg19) VCF-style: chr3-121200556-G-A.
Other names: short protein forms T2025I.
Identifiers: ClinVar variation 1751407 (VCV001751407.3), dbSNP rs1271072663, ClinGen allele CA354087941.

ClinVar aggregate classification (germline): Uncertain significance (1 of 4 stars; one submission).

gnomAD v4.1: 1 of 1,614,100 alleles (0.000062%); highest among the groups gnomAD compares: Non-Finnish European, 0.000085%; no homozygotes.

Submission:

Ambry Genetics
Classification: Uncertain significance. Last evaluated: 2024-07-15. Review status: criteria provided, single submitter. Criteria: Ambry Variant Classification Scheme 2023. Collection method: clinical testing. Allele origin: germline.
Comment: The p.T2025I variant (also known as c.6074C>T), located in coding exon 19 of the POLQ gene, results from a C to T substitution at nucleotide position 6074. The threonine at codon 2025 is replaced by isoleucine, an amino acid with similar properties. This amino acid position is conserved. In addition, this alteration is predicted to be tolerated by in silico analysis. Since supporting evidence is limited at this time, the clinical significance of this alteration remains unclear.